The following is an entry in ClinVar:

ClinVar aggregate classification (germline): Pathogenic/Likely pathogenic. Review status: criteria provided, multiple submitters, no conflicts (2 of 4 stars). 3 submissions from 3 submitters: Pathogenic (2); Likely pathogenic (1). Last evaluated 2025-10-05.

Conditions:
Pseudoachondroplastic spondyloepiphyseal dysplasia syndrome (PSACH). Also called: PSEUDOACHONDROPLASTIC DYSPLASIA; Pseudoachondroplasia; COMP-Related Pseudoachondroplasia. Identifiers: Orphanet 750, MedGen C0410538, MONDO:0008322, OMIM 177170.

Submissions (3):

Clinical Biomedical Laboratory, Shriners Hospital For Children - Canada
Classification: Likely pathogenic for Pseudoachondroplastic spondyloepiphyseal dysplasia syndrome. Last evaluated: 2025-10-05. Review status: criteria provided, single submitter. Criteria: ACMG Guidelines, 2015. Collection method: clinical testing. Allele origin: germline. Affected: yes.
Comment: This variant is predicted to substitute a glycine residue by an arginine residue. This variant is absent from the Genome Aggregation Database (v2.1.1). This specific variant has been reported in the literature (PMID 9921895, 31177591).

Labcorp Genetics (formerly Invitae), Labcorp
Classification: Pathogenic. Last evaluated: 2025-03-31. Review status: criteria provided, single submitter. Criteria: Invitae Variant Classification Sherloc (09022015). Collection method: clinical testing. Allele origin: germline.
Comment: This sequence change replaces glycine, which is neutral and non-polar, with arginine, which is basic and polar, at codon 299 of the COMP protein (p.Gly299Arg). This variant is not present in population databases (gnomAD no frequency). This missense change has been observed in individuals with pseudoachondroplasia (PMID: 9921895, 31177591). It has also been observed to segregate with disease in related individuals. ClinVar contains an entry for this variant (Variation ID: 1373104). Invitae Evidence Modeling of protein sequence and biophysical properties (such as structural, functional, and spatial information, amino acid conservation, physicochemical variation, residue mobility, and thermodynamic stability) indicates that this missense variant is expected to disrupt COMP protein function with a positive predictive value of 80%. Experimental studies have shown that this missense change affects COMP function (PMID: 17570134). For these reasons, this variant has been classified as Pathogenic.

3billion
Classification: Pathogenic for Pseudoachondroplastic spondyloepiphyseal dysplasia syndrome. Last evaluated: 2024-03-07. Review status: criteria provided, single submitter. Criteria: ACMG Guidelines, 2015. Collection method: clinical testing. Allele origin: germline. Affected: yes.
Comment: The variant is not observed in the gnomAD v2.1.1 dataset. Predicted Consequence/Location: The variant is located in a mutational hot spot and/or well-established functional domain in which established pathogenic variants have been reported. Missense changes are a common disease-causing mechanism. In silico tool predictions suggest damaging effect of the variant on gene or gene product [REVEL: 0.96 (>=0.6, sensitivity 0.68 and specificity 0.92); 3Cnet: 0.97 (>=0.6, sensitivity 0.72 and precision 0.9)]. Same nucleotide change resulting in same amino acid change has been previously reported as pathogenic/likely pathogenic with strong evidence (ClinVar ID: VCV001373104 /PMID: 31177591, 9921895). The variant has been reported to co-segregate with the disease in at least 5 similarly affected relatives/individuals in the same family or similarly affected unrelated families (PMID: 31177591). Therefore, this variant is classified as Pathogenic according to the recommendation of ACMG/AMP guideline.

Literature cited by the submitters: PubMed 9921895 (cited by Clinical Biomedical Laboratory, Shriners Hospital For Children - Canada and Labcorp Genetics (formerly Invitae), Labcorp); PubMed 31177591 (cited by 3 submitters); PubMed 21922596 (cited by Clinical Biomedical Laboratory, Shriners Hospital For Children - Canada); PubMed 17570134 (cited by Labcorp Genetics (formerly Invitae), Labcorp).

NM_000095.3(COMP):c.895G>A (p.Gly299Arg)

Gene: COMP (cartilage oligomeric matrix protein; minus strand). Cytogenetic location: 19p13.11.
Variant type: single nucleotide variant.
Coding change: c.895G>A on transcript NM_000095.3 (MANE Select); coding-DNA position 895, G replaced by A.
Protein change: p.Gly299Arg; replaces glycine 299 with arginine.
Molecular consequence: missense variant.
Genome position (GRCh38, 1-based): chr19:18,788,292, C>T on the plus strand (G>A on the coding strand, the complement: COMP is on the minus strand). VCF-style: chr19-18788292-C-T. GRCh37 (hg19) VCF-style: chr19-18899101-C-T.
Other names: short protein forms G299R.
Identifiers: ClinVar variation 1373104 (VCV001373104.10), dbSNP rs2145903238, ClinGen allele CA404891559.